The following is an entry in ClinVar:

NM_002468.5(MYD88):c.212C>T (p.Thr71Ile)

Gene: MYD88 (MYD88 innate immune signal transduction adaptor; plus strand). Cytogenetic location: 3p22.2.
Variant type: single nucleotide variant.
Coding change: c.212C>T on transcript NM_002468.5 (MANE Select); coding-DNA position 212, C replaced by T.
Protein change: p.Thr71Ile; replaces threonine 71 with isoleucine.
Molecular consequence: missense variant.
Genome position (GRCh38, 1-based): chr3:38,138,912, C>T. VCF-style: chr3-38138912-C-T. GRCh37 (hg19) VCF-style: chr3-38180403-C-T.
Other names: c.212C>T, p.Thr71Ile (NM_001172566.2, NM_001172567.2, NM_001172568.2 and 3 more transcripts); short protein forms T71I.
Identifiers: ClinVar variation 660526 (VCV000660526.4), dbSNP rs761035975, ClinGen allele CA72883173.
Genomic context (GRCh38, chr3:38,138,912, plus strand): 5'-CGGAGGAGATGGACTTTGAGTACTTGGAGATCCGGCAACTGGAGACACAAGCGGACCCCA[C>T]TGGCAGGCTGCTGGACGCCTGGCAGGGACGCCCTGGCGCCTCTGTAGGCCGACTGCTCGA-3'
Protein context (NP_002459.3, residues 61-81): IRQLETQADP[Thr71Ile]GRLLDAWQGR

ClinVar aggregate classification (germline): Uncertain significance (1 of 4 stars; one submission).

Conditions:
Pyogenic bacterial infections due to MyD88 deficiency (IMD68). Also called: PYOGENIC BACTERIAL INFECTIONS, RECURRENT, DUE TO MYD88 DEFICIENCY. Identifiers: Orphanet 183713, MedGen C2677092, MONDO:0012839, OMIM 612260.

Allele frequency attached by ClinVar (database versions not stated): gnomAD 0.00001; TOPMed 0.00001; gnomAD exomes 0.00002 and 0.00003.

Submission:

Labcorp Genetics (formerly Invitae), Labcorp
Classification: Uncertain significance for Pyogenic bacterial infections due to MyD88 deficiency. Last evaluated: 2025-10-21. Review status: criteria provided, single submitter. Criteria: Invitae Variant Classification Sherloc (09022015). Collection method: clinical testing. Allele origin: germline.
Comment: This sequence change replaces threonine, which is neutral and polar, with isoleucine, which is neutral and non-polar, at codon 84 of the MYD88 protein (p.Thr84Ile). This variant is present in population databases (rs761035975, gnomAD 0.003%). This variant has not been reported in the literature in individuals affected with MYD88-related conditions. ClinVar contains an entry for this variant (Variation ID: 660526). An algorithm developed to predict the effect of missense changes on protein structure and function (PolyPhen-2) suggests that this variant is likely to be disruptive. In summary, the available evidence is currently insufficient to determine the role of this variant in disease. Therefore, it has been classified as a Variant of Uncertain Significance.